The following is an entry in ClinVar:

ClinVar aggregate classification (germline): Conflicting classifications of pathogenicity. Review status: no assertion criteria provided (0 of 4 stars). 2 submissions from 2 submitters: Pathogenic (1); Likely benign (1). Last evaluated 2023-02-20.

Conditions:
NOTCH3-related disorder. Also called: NOTCH3-related disorders; NOTCH3-related condition.
Cerebral arteriopathy, autosomal dominant, with subcortical infarcts and leukoencephalopathy, type 1 (CADASIL1). Also called: DEMENTIA, HEREDITARY MULTIINFARCT TYPE; CADASIL 1; CASIL; Cerebral arteriopathy with subcortical infarcts and leukoencephalopathy 1. Identifiers: Orphanet 136, MedGen C4551768, MONDO:0000914, OMIM 125310.

Allele frequency attached by ClinVar (database versions not stated): gnomAD exomes below 0.00001; ExAC 0.00001.
gnomAD v4.1: 3 of 1,613,672 alleles (0.00019%); highest among the groups gnomAD compares: South Asian, 0.0011%; no homozygotes.

Submissions (2):

PreventionGenetics, part of Exact Sciences
Classification: Likely benign for NOTCH3-related condition. Last evaluated: 2023-02-20. Review status: no assertion criteria provided. Collection method: clinical testing. Allele origin: germline.
Comment: This variant is classified as likely benign based on ACMG/AMP sequence variant interpretation guidelines (Richards et al. 2015 PMID: 25741868, with internal and published modifications).

Hong-Tao Li Lab, Institute of Brain Science and Brain-inspired Research, Shandong First Medical University & Shandong Academy of Medical Sciences China
Classification: Pathogenic for Cerebral arteriopathy, autosomal dominant, with subcortical infarcts and leukoencephalopathy, type 1. Review status: no assertion criteria provided. Collection method: research. Allele origin: germline. Affected: yes. Observed: 1 variant allele, 1 heterozygote.
Comment: Observed in affected individuals from a Pakistani neurodevelopmental-disorder research cohort of 263 individuals. Classification assigned using the ACMG/AMP framework.

NM_000435.3(NOTCH3):c.897C>T (p.Ser299=)

Gene: NOTCH3 (notch receptor 3; minus strand). Cytogenetic location: 19p13.12.
Variant type: single nucleotide variant.
Coding change: c.897C>T on transcript NM_000435.3 (MANE Select); coding-DNA position 897, C replaced by T.
Protein change: p.Ser299=; no amino-acid change (serine 299 retained).
Molecular consequence: synonymous variant.
Genome position (GRCh38, 1-based): chr19:15,191,563, G>A on the plus strand (C>T on the coding strand, the complement: NOTCH3 is on the minus strand). VCF-style: chr19-15191563-G-A. GRCh37 (hg19) VCF-style: chr19-15302374-G-A.
Identifiers: ClinVar variation 3049003 (VCV003049003.3), dbSNP rs768851285, ClinGen allele CA9263758.
Genomic context (GRCh38, chr19:15,191,563, plus strand): 5'-GGCACAGTCATCGATATTCTGACTGCAGCTCTCGCCTGTCCAGCCATTGACACACACGCA[G>A]CTGTGGCCACCCAGCGTGTTGAAGCAGGTACCCCCATTGTGGCAGGCGTTGGGCTGCAGC-3'
Protein context (NP_000426.2, residues 289-309): GTCFNTLGGH[Ser299=]CVCVNGWTGE